The following is an entry in ClinVar:

NM_003661.4(APOL1):c.397G>A (p.Gly133Ser)

Gene: APOL1 (apolipoprotein L1; plus strand). Cytogenetic location: 22q12.3.
Variant type: single nucleotide variant.
Coding change: c.397G>A on transcript NM_003661.4 (MANE Select); coding-DNA position 397, G replaced by A.
Protein change: p.Gly133Ser; replaces glycine 133 with serine.
Molecular consequence: missense variant.
Genome position (GRCh38, 1-based): chr22:36,265,233, G>A. VCF-style: chr22-36265233-G-A. GRCh37 (hg19) VCF-style: chr22-36661279-G-A.
Other names: c.397G>A, p.Gly133Ser (NM_001136540.2); c.343G>A, p.Gly115Ser (NM_001136541.2, NM_001362927.2); c.445G>A, p.Gly149Ser (NM_145343.3); short protein forms G115S, G133S, G149S.
Identifiers: ClinVar variation 1335481 (VCV001335481.36), dbSNP rs2146311370, ClinGen allele CA411366385.

ClinVar aggregate classification (germline): Uncertain significance (1 of 4 stars; one submission).

gnomAD v4.1: 1 of 1,614,206 alleles (0.000062%); no homozygotes.

Submission:

CeGaT Center for Human Genetics Tuebingen
Classification: Uncertain significance. Last evaluated: 2022-09-01. Review status: criteria provided, single submitter. Criteria: CeGaT Center For Human Genetics Tuebingen Variant Classification Criteria Version 2. Collection method: clinical testing. Allele origin: germline. Affected: yes. Observed: 1 variant allele.
Comment: APOL1: PM2, BP4